The following is an entry in ClinVar:

NM_031935.3(HMCN1):c.10618G>A (p.Val3540Ile)

Gene: HMCN1 (hemicentin 1; plus strand). Cytogenetic location: 1q31.1.
Variant type: single nucleotide variant.
Coding change: c.10618G>A on transcript NM_031935.3 (MANE Select); coding-DNA position 10618, G replaced by A.
Protein change: p.Val3540Ile; replaces valine 3540 with isoleucine.
Molecular consequence: missense variant.
Genome position (GRCh38, 1-based): chr1:186,103,516, G>A. VCF-style: chr1-186103516-G-A. GRCh37 (hg19) VCF-style: chr1-186072648-G-A.
Other names: short protein forms V3540I.
Identifiers: ClinVar variation 790495 (VCV000790495.40), dbSNP rs140493567, ClinGen allele CA1293779.

ClinVar aggregate classification (germline): Likely benign. Review status: criteria provided, multiple submitters, no conflicts (2 of 4 stars). 7 submissions from 7 submitters: Likely benign (6). 1 of the submissions does not count toward it. Last evaluated 2026-02-01.

Conditions:
Age related macular degeneration 1 (ARMD1). Also called: MACULOPATHY, AGE-RELATED, 1. Identifiers: MedGen C1864205, MONDO:0011285, OMIM 603075.
HMCN1-related disorder. Also called: HMCN1-related condition.

Allele frequency attached by ClinVar (database versions not stated): 1000 Genomes Project 0.00080; 1000 Genomes Project 30x 0.00094; ExAC 0.00167; gnomAD exomes 0.00189 and 0.00268; gnomAD 0.00205 and 0.00218; TOPMed 0.00221; ESP Exome Variant Server 0.00223.
gnomAD v4.1: 4,215 of 1,613,594 alleles (0.26%); highest among the groups gnomAD compares: Non-Finnish European, 0.32%; 6 homozygotes.

Submissions (7):

Labcorp Genetics (formerly Invitae), Labcorp
Classification: Likely benign. Last evaluated: 2026-02-01. Review status: criteria provided, single submitter. Criteria: Invitae Variant Classification Sherloc (09022015). Collection method: clinical testing. Allele origin: germline.

Blueprint Genetics
Classification: Likely benign. Last evaluated: 2024-11-15. Review status: criteria provided, single submitter. Criteria: ACMG Guidelines, 2015. Collection method: clinical testing. Allele origin: germline.

CeGaT Center for Human Genetics Tuebingen
Classification: Likely benign. Last evaluated: 2023-09-01. Review status: criteria provided, single submitter. Criteria: CeGaT Center For Human Genetics Tuebingen Variant Classification Criteria Version 2. Collection method: clinical testing. Allele origin: germline. Affected: yes. Observed: 2 variant alleles.
Comment: HMCN1: BP4

Genome-Nilou Lab
Classification: Likely benign for Age related macular degeneration 1. Last evaluated: 2023-04-11. Review status: criteria provided, single submitter. Criteria: ACMG Guidelines, 2015. Collection method: clinical testing. Allele origin: germline. Affected: no.

Fulgent Genetics
Classification: Likely benign for Age related macular degeneration 1. Last evaluated: 2022-03-14. Review status: criteria provided, single submitter. Criteria: ACMG Guidelines, 2015. Collection method: clinical testing. Allele origin: unknown.

Illumina Laboratory Services, Illumina
Classification: Likely benign for Age related macular degeneration 1. Last evaluated: 2017-04-27. Review status: criteria provided, single submitter. Criteria: ICSL Variant Classification Criteria 13 December 2019. Collection method: clinical testing. Allele origin: germline.
Comment: This variant was observed as part of a predisposition screen in an ostensibly healthy population. A literature search was performed for the gene, cDNA change, and amino acid change (where applicable). No publications were found based on this search. Allele frequency data from public databases allowed determination this variant is unlikely to cause disease. Therefore, this variant is classified as likely benign.

PreventionGenetics, part of Exact Sciences
Classification: Benign for HMCN1-related condition. Last evaluated: 2019-06-20. Review status: no assertion criteria provided. Collection method: clinical testing. Allele origin: germline. Not counted in ClinVar's aggregate classification.
Comment: This variant is classified as benign based on ACMG/AMP sequence variant interpretation guidelines (Richards et al. 2015 PMID: 25741868, with internal and published modifications).